The following is an entry in ClinVar:

ClinVar aggregate classification (germline): Uncertain significance. Review status: criteria provided, multiple submitters, no conflicts (2 of 4 stars). 2 submissions from 2 submitters: Uncertain significance (2). Last evaluated 2025-07-29.

Allele frequency attached by ClinVar (database versions not stated): ExAC 0.00006; gnomAD exomes 0.00006 and 0.00021; gnomAD 0.00011 and 0.00012; TOPMed 0.00013; ESP Exome Variant Server 0.00031.
gnomAD v4.1: 326 of 1,613,930 alleles (0.02%); highest among the groups gnomAD compares: Middle Eastern, 0.033%; no homozygotes.

Submissions (2):

Labcorp Genetics (formerly Invitae), Labcorp
Classification: Uncertain significance. Last evaluated: 2025-07-29. Review status: criteria provided, single submitter. Criteria: Invitae Variant Classification Sherloc (09022015). Collection method: clinical testing. Allele origin: germline.
Comment: This sequence change replaces arginine, which is basic and polar, with tryptophan, which is neutral and slightly polar, at codon 378 of the ADGRA3 protein (p.Arg378Trp). This variant is present in population databases (rs147674998, gnomAD 0.01%). This variant has not been reported in the literature in individuals affected with ADGRA3-related conditions. ClinVar contains an entry for this variant (Variation ID: 855528). An algorithm developed to predict the effect of missense changes on protein structure and function (PolyPhen-2) suggests that this variant is likely to be disruptive. In summary, the available evidence is currently insufficient to determine the role of this variant in disease. Therefore, it has been classified as a Variant of Uncertain Significance.

Ambry Genetics
Classification: Uncertain significance. Last evaluated: 2024-09-10. Review status: criteria provided, single submitter. Criteria: Ambry Variant Classification Scheme 2023. Collection method: clinical testing. Allele origin: germline.

NM_145290.4(ADGRA3):c.1132C>T (p.Arg378Trp)

Gene: ADGRA3 (adhesion G protein-coupled receptor A3; minus strand). Cytogenetic location: 4p15.2.
Variant type: single nucleotide variant.
Coding change: c.1132C>T on transcript NM_145290.4 (MANE Select); coding-DNA position 1132, C replaced by T.
Protein change: p.Arg378Trp; replaces arginine 378 with tryptophan.
Molecular consequence: missense variant.
Genome position (GRCh38, 1-based): chr4:22,436,595, G>A on the plus strand (C>T on the coding strand, the complement: ADGRA3 is on the minus strand). VCF-style: chr4-22436595-G-A. GRCh37 (hg19) VCF-style: chr4-22438218-G-A.
Other names: c.1132C>T (NM_145290.2); short protein forms R378W.
Identifiers: ClinVar variation 855528 (VCV000855528.8), dbSNP rs147674998, ClinGen allele CA2874027.
Genomic context (GRCh38, chr4:22,436,595, plus strand): 5'-GCCAAGCTTTTCTCTCATCCTGTGGGTTTCCGGGATATATCCCACTGCCATGGGTGTTCC[G>A]CGTACACTGCAGATATGCAGTAATGCCTGCCAATGTTCTGGGCCATCTAGAGATGAAGAC-3'
Protein context (NP_660333.2, residues 368-388): AGITAYLQCT[Arg378Trp]NTHGSGIYPG